The following is an entry in ClinVar:

NM_144596.4(TTC8):c.152G>T (p.Trp51Leu)

Gene: TTC8 (tetratricopeptide repeat domain 8; plus strand). Cytogenetic location: 14q31.3.
Variant type: single nucleotide variant.
Coding change: c.152G>T on transcript NM_144596.4 (MANE Select); coding-DNA position 152, G replaced by T.
Protein change: p.Trp51Leu; replaces tryptophan 51 with leucine.
Molecular consequence: missense variant. On other transcripts: 5 prime UTR variant (2), non-coding transcript variant (1).
Genome position (GRCh38, 1-based): chr14:88,839,459, G>T. VCF-style: chr14-88839459-G-T. GRCh37 (hg19) VCF-style: chr14-89305803-G-T.
Other names: c.152G>T (NM_144596.3); c.122G>T, p.Trp41Leu (NM_001288781.1, NM_001366535.2, NM_001366536.2 and 2 more transcripts); c.-441G>T (NM_001288782.1); c.-536G>T (NM_001288783.1); short protein forms W41L, W51L.
Identifiers: ClinVar variation 4922815 (VCV004922815.2).

ClinVar aggregate classification (germline): Uncertain significance. Review status: criteria provided, multiple submitters, no conflicts (2 of 4 stars). 2 submissions from 2 submitters: Uncertain significance (2). Last evaluated 2025-09-08.

Conditions:
TTC8-related disorder. Also called: TTC8-related condition.

gnomAD v4.1: 27 of 1,612,854 alleles (0.0017%); highest among the groups gnomAD compares: South Asian, 0.025%; no homozygotes.

Submissions (2):

PreventionGenetics, part of Exact Sciences
Classification: Uncertain significance for TTC8-related condition. Last evaluated: 2025-09-08. Review status: criteria provided, single submitter. Criteria: ACMG Guidelines, 2015. Collection method: clinical testing. Allele origin: germline.
Comment: The TTC8 c.152G>T variant is predicted to result in the amino acid substitution p.Trp51Leu. To our knowledge, this variant has not been reported in the literature. This variant is reported in 0.039% of alleles in individuals of South Asian descent in gnomAD. At this time, the clinical significance of this variant is uncertain due to the absence of conclusive functional and genetic evidence.

Blueprint Genetics
Classification: Uncertain significance. Last evaluated: 2024-09-05. Review status: criteria provided, single submitter. Criteria: ACMG Guidelines, 2015. Collection method: clinical testing. Allele origin: germline.